The following is an entry in ClinVar:

NM_001035.3(RYR2):c.9815A>G (p.His3272Arg)

Gene: RYR2 (ryanodine receptor 2; plus strand). Cytogenetic location: 1q43.
Variant type: single nucleotide variant.
Coding change: c.9815A>G on transcript NM_001035.3 (MANE Select); coding-DNA position 9815, A replaced by G.
Protein change: p.His3272Arg; replaces histidine 3272 with arginine.
Molecular consequence: missense variant.
Genome position (GRCh38, 1-based): chr1:237,707,183, A>G. VCF-style: chr1-237707183-A-G. GRCh37 (hg19) VCF-style: chr1-237870483-A-G.
Other names: short protein forms H3272R.
Identifiers: ClinVar variation 4827611 (VCV004827611.1).

ClinVar aggregate classification (germline): Uncertain significance (1 of 4 stars; one submission).

Conditions:
Cardiovascular phenotype. Identifiers: MedGen CN230736.

Submission:

Ambry Genetics
Classification: Uncertain significance for Cardiovascular phenotype. Last evaluated: 2026-03-11. Review status: criteria provided, single submitter. Criteria: Ambry Variant Classification Scheme 2023. Collection method: clinical testing. Allele origin: germline.
Comment: The p.H3272R variant (also known as c.9815A>G), located in coding exon 68 of the RYR2 gene, results from an A to G substitution at nucleotide position 9815. The histidine at codon 3272 is replaced by arginine, an amino acid with highly similar properties. This amino acid position is conserved. In addition, this alteration is predicted to be deleterious by in silico analysis. Based on the available evidence, the clinical significance of this variant remains unclear.